The following is an entry in ClinVar:

ClinVar aggregate classification (germline): Uncertain significance (1 of 4 stars; one submission).

Submission:

GeneDx
Classification: Uncertain significance. Last evaluated: 2023-12-20. Review status: criteria provided, single submitter. Criteria: GeneDx Variant Classification Process June 2021. Collection method: clinical testing. Allele origin: germline. Affected: yes.
Comment: Not observed at significant frequency in large population cohorts (gnomAD); In silico analysis supports that this missense variant has a deleterious effect on protein structure/function; Has not been previously published as pathogenic or benign to our knowledge

NM_001034850.3(RETREG1):c.863T>C (p.Leu288Pro)

Gene: RETREG1 (reticulophagy regulator 1; minus strand). Cytogenetic location: 5p15.1.
Variant type: single nucleotide variant.
Coding change: c.863T>C on transcript NM_001034850.3 (MANE Select); coding-DNA position 863, T replaced by C.
Protein change: p.Leu288Pro; replaces leucine 288 with proline.
Molecular consequence: missense variant.
Genome position (GRCh38, 1-based): chr5:16,478,044, A>G on the plus strand (T>C on the coding strand, the complement: RETREG1 is on the minus strand). VCF-style: chr5-16478044-A-G. GRCh37 (hg19) VCF-style: chr5-16478153-A-G.
Other names: c.440T>C, p.Leu147Pro (NM_019000.5); short protein forms L147P, L288P.
Identifiers: ClinVar variation 3369957 (VCV003369957.1).